The following is an entry in ClinVar:

ClinVar aggregate classification (germline): Uncertain significance. Review status: criteria provided, multiple submitters, no conflicts (2 of 4 stars). 2 submissions from 2 submitters: Uncertain significance (2). Last evaluated 2026-08-20.

Conditions:
Ataxia-telangiectasia syndrome (AT). Also called: LOUIS-BAR SYNDROME; Ataxia-telangiectasia, complementation group D; AT, COMPLEMENTATION GROUP C; ATAXIA-TELANGIECTASIA, FRESNO VARIANT; Ataxia telangiectasia (A-T); Cerebello-oculocutaneous telangiectasia. Identifiers: Orphanet 100, MedGen C0004135, MONDO:0008840, OMIM 208900.
Hereditary cancer-predisposing syndrome. Also called: Hereditary neoplastic syndrome; Neoplastic Syndromes, Hereditary; Tumor predisposition; Hereditary Cancer Syndrome. Identifiers: Orphanet 140162, MedGen C0027672, MeSH D009386, MONDO:0015356.

Submissions (2):

Ambry Genetics
Classification: Uncertain significance for Hereditary cancer-predisposing syndrome. Last evaluated: 2026-08-20. Review status: criteria provided, single submitter. Criteria: Ambry Variant Classification Scheme 2023. Collection method: clinical testing. Allele origin: germline.
Comment: The p.L581F variant (also known as c.1743A>C), located in coding exon 10 of the ATM gene, results from an A to C substitution at nucleotide position 1743. The leucine at codon 581 is replaced by phenylalanine, an amino acid with highly similar properties. This amino acid position is highly conserved in available vertebrate species. In addition, this alteration is predicted to be tolerated by in silico analysis. Based on the available evidence, the clinical significance of this variant remains unclear.

Labcorp Genetics (formerly Invitae), Labcorp
Classification: Uncertain significance for Ataxia-telangiectasia syndrome. Last evaluated: 2024-03-02. Review status: criteria provided, single submitter. Criteria: Invitae Variant Classification Sherloc (09022015). Collection method: clinical testing. Allele origin: germline.
Comment: This sequence change replaces leucine, which is neutral and non-polar, with phenylalanine, which is neutral and non-polar, at codon 581 of the ATM protein (p.Leu581Phe). This variant is not present in population databases (gnomAD no frequency). This variant has not been reported in the literature in individuals affected with ATM-related conditions. An algorithm developed to predict the effect of missense changes on protein structure and function (PolyPhen-2) suggests that this variant is likely to be disruptive. In summary, the available evidence is currently insufficient to determine the role of this variant in disease. Therefore, it has been classified as a Variant of Uncertain Significance.

NM_000051.4(ATM):c.1743A>C (p.Leu581Phe)

Gene: ATM (ATM serine/threonine kinase; plus strand). Cytogenetic location: 11q22.3.
Variant type: single nucleotide variant.
Coding change: c.1743A>C on transcript NM_000051.4 (MANE Select); coding-DNA position 1743, A replaced by C.
Protein change: p.Leu581Phe; replaces leucine 581 with phenylalanine.
Molecular consequence: missense variant.
Genome position (GRCh38, 1-based): chr11:108,251,972, A>C. VCF-style: chr11-108251972-A-C. GRCh37 (hg19) VCF-style: chr11-108122699-A-C.
Other names: c.1743A>C, p.Leu581Phe (NM_001351834.2); short protein forms L581F.
Identifiers: ClinVar variation 3618252 (VCV003618252.3).